The following is an entry in ClinVar:

ClinVar aggregate classification (germline): Uncertain significance (1 of 4 stars; one submission).

Submission:

Ambry Genetics
Classification: Uncertain significance. Last evaluated: 2024-09-12. Review status: criteria provided, single submitter. Criteria: Ambry Variant Classification Scheme 2023. Collection method: clinical testing. Allele origin: germline.
Comment: The p.S2581T variant (also known as c.7742G>C), located in coding exon 30 of the POLQ gene, results from a G to C substitution at nucleotide position 7742. The serine at codon 2581 is replaced by threonine, an amino acid with similar properties. This amino acid position is conserved. In addition, the in silico prediction for this alteration is inconclusive. Based on the available evidence, the clinical significance of this variant remains unclear.

NM_199420.4(POLQ):c.7742G>C (p.Ser2581Thr)

Gene: POLQ (DNA polymerase theta; minus strand). Cytogenetic location: 3q13.33.
Variant type: single nucleotide variant.
Coding change: c.7742G>C on transcript NM_199420.4 (MANE Select); coding-DNA position 7742, G replaced by C.
Protein change: p.Ser2581Thr; replaces serine 2581 with threonine.
Molecular consequence: missense variant.
Genome position (GRCh38, 1-based): chr3:121,432,335, C>G on the plus strand (G>C on the coding strand, the complement: POLQ is on the minus strand). VCF-style: chr3-121432335-C-G. GRCh37 (hg19) VCF-style: chr3-121151182-C-G.
Other names: short protein forms S2581T.
Identifiers: ClinVar variation 3422373 (VCV003422373.1).
Genomic context (GRCh38, chr3:121,432,335, plus strand): 5'-TCCCTGGGAGGACTTCATCAACAGCACAGTTACACATCAAAGTCCTTTAGCTCTCCCCAG[C>G]TGGCGCCTATTTTCACTTTCACTTTCAATTTCACAGACAGTTTTACAGCACTTTCCATTT-3'
Protein context (NP_955452.3, residues 2571-2590): KLKVKVKIGA[Ser2581Thr]WGELKDFDV